The following is an entry in ClinVar:

ClinVar aggregate classification (germline): Uncertain significance (1 of 4 stars; one submission).

Submission:

Labcorp Genetics (formerly Invitae), Labcorp
Classification: Uncertain significance. Last evaluated: 2023-08-25. Review status: criteria provided, single submitter. Criteria: Invitae Variant Classification Sherloc (09022015). Collection method: clinical testing. Allele origin: germline.
Comment: This variant has not been reported in the literature in individuals affected with ROBO1-related conditions. Advanced modeling of protein sequence and biophysical properties (such as structural, functional, and spatial information, amino acid conservation, physicochemical variation, residue mobility, and thermodynamic stability) performed at Invitae indicates that this missense variant is not expected to disrupt ROBO1 protein function. In summary, the available evidence is currently insufficient to determine the role of this variant in disease. Therefore, it has been classified as a Variant of Uncertain Significance. This sequence change replaces glycine, which is neutral and non-polar, with alanine, which is neutral and non-polar, at codon 1350 of the ROBO1 protein (p.Gly1350Ala). This variant is not present in population databases (gnomAD no frequency).

NM_002941.4(ROBO1):c.4049G>C (p.Gly1350Ala)

Gene: ROBO1 (roundabout guidance receptor 1; minus strand). Cytogenetic location: 3p12.3.
Variant type: single nucleotide variant.
Coding change: c.4049G>C on transcript NM_002941.4 (MANE Select); coding-DNA position 4049, G replaced by C.
Protein change: p.Gly1350Ala; replaces glycine 1350 with alanine.
Molecular consequence: missense variant.
Genome position (GRCh38, 1-based): chr3:78,617,868, C>G on the plus strand (G>C on the coding strand, the complement: ROBO1 is on the minus strand). VCF-style: chr3-78617868-C-G. GRCh37 (hg19) VCF-style: chr3-78667018-C-G.
Other names: c.3914G>C, p.Gly1305Ala (NM_001145844.1, NM_133631.4); c.3749G>C, p.Gly1250Ala (NM_001145845.2); short protein forms G1350A, G1250A, G1305A.
Identifiers: ClinVar variation 2817126 (VCV002817126.3), dbSNP rs2471717353, ClinGen allele CA353648492.